The following is an entry in ClinVar:

ClinVar aggregate classification (germline): Uncertain significance (1 of 4 stars; one submission).

Conditions:
Familial temporal lobe epilepsy 7. Identifiers: Orphanet 101046, MedGen C4225327, MONDO:0014639, OMIM 616436.
Norman-Roberts syndrome (LIS2). Also called: Lissencephaly 2 (Norman-Roberts type). Identifiers: Orphanet 89844, MedGen C0796089, MONDO:0009760, OMIM 257320.

Allele frequency attached by ClinVar (database versions not stated): gnomAD exomes below 0.00001 and 0.00001.
gnomAD v4.1: 8 of 1,614,132 alleles (0.0005%); highest among the groups gnomAD compares: East Asian, 0.011%; 1 homozygote.

Submission:

Labcorp Genetics (formerly Invitae), Labcorp
Classification: Uncertain significance for Familial temporal lobe epilepsy 7; Norman-Roberts syndrome. Last evaluated: 2022-10-24. Review status: criteria provided, single submitter. Criteria: Invitae Variant Classification Sherloc (09022015). Collection method: clinical testing. Allele origin: germline.
Comment: This sequence change replaces arginine, which is basic and polar, with glutamine, which is neutral and polar, at codon 1387 of the RELN protein (p.Arg1387Gln). This variant is present in population databases (no rsID available, gnomAD 0.003%). This missense change has been observed in individual(s) with clinical features of lateral temporal lobe epilepsy (PMID: 33004838). ClinVar contains an entry for this variant (Variation ID: 1415127). Advanced modeling of protein sequence and biophysical properties (such as structural, functional, and spatial information, amino acid conservation, physicochemical variation, residue mobility, and thermodynamic stability) performed at Invitae indicates that this missense variant is not expected to disrupt RELN protein function. In summary, the available evidence is currently insufficient to determine the role of this variant in disease. Therefore, it has been classified as a Variant of Uncertain Significance.

Literature cited by the submitters: PubMed 33004838.

NM_005045.4(RELN):c.4160G>A (p.Arg1387Gln)

Gene: RELN (reelin; minus strand). Cytogenetic location: 7q22.1.
Variant type: single nucleotide variant.
Coding change: c.4160G>A on transcript NM_005045.4 (MANE Select); coding-DNA position 4160, G replaced by A.
Protein change: p.Arg1387Gln; replaces arginine 1387 with glutamine.
Molecular consequence: missense variant.
Genome position (GRCh38, 1-based): chr7:103,575,691, C>T on the plus strand (G>A on the coding strand, the complement: RELN is on the minus strand). VCF-style: chr7-103575691-C-T. GRCh37 (hg19) VCF-style: chr7-103216138-C-T.
Other names: c.4160G>A, p.Arg1387Gln (NM_173054.3); short protein forms R1387Q.
Identifiers: ClinVar variation 1415127 (VCV001415127.8), dbSNP rs1259371944, ClinGen allele CA368752674.